The following is an entry in ClinVar:

NM_001164508.2(NEB):c.2552G>A (p.Ser851Asn)

Gene: NEB (nebulin; minus strand). Cytogenetic location: 2q23.3.
Variant type: single nucleotide variant.
Coding change: c.2552G>A on transcript NM_001164508.2 (MANE Select); coding-DNA position 2552, G replaced by A.
Protein change: p.Ser851Asn; replaces serine 851 with asparagine.
Molecular consequence: missense variant.
Genome position (GRCh38, 1-based): chr2:151,687,504, C>T on the plus strand (G>A on the coding strand, the complement: NEB is on the minus strand). VCF-style: chr2-151687504-C-T. GRCh37 (hg19) VCF-style: chr2-152544018-C-T.
Other names: c.2552G>A, p.Ser851Asn (NM_001164507.2, NM_001271208.2, NM_004543.5); c.2552G>A (NM_004543.4); short protein forms S851N.
Identifiers: ClinVar variation 1957064 (VCV001957064.3), dbSNP rs893287766, ClinGen allele CA57666220.

ClinVar aggregate classification (germline): Uncertain significance. Review status: criteria provided, multiple submitters, no conflicts (2 of 4 stars). 2 submissions from 2 submitters: Uncertain significance (2). Last evaluated 2025-06-25.

Conditions:
Inborn genetic diseases. Identifiers: MedGen C0950123, MeSH D030342.
Nemaline myopathy 2 (NEM2). Also called: Nemaline myopathy 2, autosomal recessive. Identifiers: MedGen C1850569, MONDO:0009725, OMIM 256030.

Allele frequency attached by ClinVar (database versions not stated): gnomAD exomes 0.00001; gnomAD 0.00003; TOPMed 0.00004.
gnomAD v4.1: 16 of 1,613,816 alleles (0.00099%); highest among the groups gnomAD compares: Admixed American, 0.012%; no homozygotes.

Submissions (2):

Ambry Genetics
Classification: Uncertain significance for Inborn genetic diseases. Last evaluated: 2025-06-25. Review status: criteria provided, single submitter. Criteria: Ambry Variant Classification Scheme 2023. Collection method: clinical testing. Allele origin: germline.

Labcorp Genetics (formerly Invitae), Labcorp
Classification: Uncertain significance for Nemaline myopathy 2. Last evaluated: 2022-03-18. Review status: criteria provided, single submitter. Criteria: Invitae Variant Classification Sherloc (09022015). Collection method: clinical testing. Allele origin: germline.
Comment: This sequence change replaces serine, which is neutral and polar, with asparagine, which is neutral and polar, at codon 851 of the NEB protein (p.Ser851Asn). This variant is present in population databases (no rsID available, gnomAD 0.003%). This variant has not been reported in the literature in individuals affected with NEB-related conditions. Algorithms developed to predict the effect of missense changes on protein structure and function output the following: SIFT: "Tolerated"; PolyPhen-2: "Not Available"; Align-GVGD: "Class C0". The asparagine amino acid residue is found in multiple mammalian species, which suggests that this missense change does not adversely affect protein function. In summary, the available evidence is currently insufficient to determine the role of this variant in disease. Therefore, it has been classified as a Variant of Uncertain Significance.